The following is an entry in ClinVar:

NM_001005273.3(CHD3):c.5755-10T>G

Gene: CHD3 (chromodomain helicase DNA binding protein 3; plus strand). Cytogenetic location: 17p13.1.
Variant type: single nucleotide variant.
Coding change: c.5755-10T>G on transcript NM_001005273.3 (MANE Select); 10 bases into the intron before coding-DNA position 5755, T replaced by G.
Molecular consequence: intron variant.
Genome position (GRCh38, 1-based): chr17:7,910,837, T>G. VCF-style: chr17-7910837-T-G. GRCh37 (hg19) VCF-style: chr17-7814155-T-G.
Other names: c.5932-10T>G (NM_001005271.3); c.5653-10T>G (NM_005852.4).
Identifiers: ClinVar variation 3051872 (VCV003051872.2), dbSNP rs370889007, ClinGen allele CA8363758.

ClinVar aggregate classification (germline): Likely benign (0 of 4 stars; one submission).

Conditions:
CHD3-related disorder. Also called: CHD3-related condition.

Allele frequency attached by ClinVar (database versions not stated): ExAC 0.00003; gnomAD 0.00005; TOPMed 0.00005; gnomAD exomes 0.00006; ESP Exome Variant Server 0.00015.
gnomAD v4.1: 100 of 1,587,170 alleles (0.0063%); highest among the groups gnomAD compares: Non-Finnish European, 0.0079%; no homozygotes.

Submission:

PreventionGenetics, part of Exact Sciences
Classification: Likely benign for CHD3-related condition. Last evaluated: 2022-01-13. Review status: no assertion criteria provided. Collection method: clinical testing. Allele origin: germline.
Comment: This variant is classified as likely benign based on ACMG/AMP sequence variant interpretation guidelines (Richards et al. 2015 PMID: 25741868, with internal and published modifications).